The following is an entry in ClinVar:

ClinVar aggregate classification (germline): Conflicting classifications of pathogenicity. Review status: criteria provided, conflicting classifications (1 of 4 stars). 2 submissions from 2 submitters: Likely pathogenic (1); Uncertain significance (1). Last evaluated 2026-03-23.

Conditions:
Osteogenesis imperfecta type 8 (OI8). Identifiers: MedGen C1970458, MONDO:0012581, OMIM 610915.

Submissions (2):

Women's Health and Genetics/Laboratory Corporation of America, LabCorp
Classification: Uncertain significance. Last evaluated: 2026-03-23. Review status: criteria provided, single submitter. Criteria: LabCorp Variant Classification Summary - May 2015. Collection method: clinical testing. Allele origin: germline.
Comment: Variant summary: P3H1 c.2209_2210delTG (p.X737ThrfsX21) causes a frameshift which results in an extension of the protein. The variant allele was found at a frequency of 6.5e-06 in 154942 control chromosomes. The available data on variant occurrences in the general population are insufficient to allow any conclusion about variant significance. To our knowledge, no occurrence of c.2209_2210delTG in individuals affected with P3H1-related conditions and no experimental evidence demonstrating its impact on protein function have been reported. No submitters have cited clinical-significance assessments for this variant to ClinVar. Based on the evidence outlined above, the variant was classified as uncertain significance.

Genesolutions, Medical Genetics Institutes, Ho Chi Minh City, Vietnam
Classification: Likely pathogenic for Osteogenesis imperfecta type 8. Last evaluated: 2025-09-24. Review status: criteria provided, single submitter. Criteria: ACMG Guidelines, 2015. Collection method: clinical testing. Allele origin: germline. Affected: yes.

NM_022356.4(P3H1):c.2209_2210del (p.Ter737ThrextTer?)

Gene: P3H1 (prolyl 3-hydroxylase 1; minus strand). Cytogenetic location: 1p34.2.
Variant type: Deletion.
Coding change: c.2209_2210del on transcript NM_022356.4 (MANE Select); coding-DNA positions 2209 to 2210, 2 bases deleted (TG; older notation c.2209_2210delTG).
Protein change: p.Ter737ThrextTer?.
Molecular consequence: frameshift variant, stop lost. On other transcripts: 3 prime UTR variant (2).
Genome position (GRCh38, 1-based): chr1:42,746,698-42,746,699, CA deleted on the plus strand (TG on the coding strand, the reverse complement: P3H1 is on the minus strand). VCF-style (leftmost placement, unchanged base first): chr1-42746697-TCA-T. GRCh37 (hg19) VCF-style: chr1-43212368-TCA-T.
Other names: c.*134_*135del (NM_001146289.2); c.*213_*214del (NM_001243246.2); c.2209_2210delTG (NM_022356.4).
Identifiers: ClinVar variation 4277440 (VCV004277440.2).
Genomic context (GRCh38, chr1:42,746,697, plus strand): 5'-AGAGTGCAGAAGAGTTCCTCTCCATGGGTCTAGTCACCCATCCGTCTGACCTGGACGCTG[TCA>T]TAGCTCATCCTTGGGCTTCGATTCACTGCCTGAGAGAGACTCTTGTGCAGGTTCGGGGGG-3'